The following is an entry in ClinVar:

ClinVar aggregate classification (germline): Uncertain significance (1 of 4 stars; one submission).

Conditions:
Silver-Russell syndrome 3 (SRS3). Also called: Growth restriction, severe, with distinctive facies. Identifiers: MedGen C4225307, MONDO:0014663, OMIM 616489.

Submission:

3billion
Classification: Uncertain significance for Silver-Russell syndrome 3. Last evaluated: 2026-01-28. Review status: criteria provided, single submitter. Criteria: ACMG Guidelines, 2015. Collection method: clinical testing. Allele origin: germline. Affected: yes.
Comment: The variant is not observed in the gnomAD v4.1.0 dataset. Predicted Consequence/Location: Missense variant In silico tool predictions suggest damaging effect of the variant on gene or gene product [REVEL: 0.92 (>=0.6, sensitivity 0.68 and specificity 0.92); 3Cnet: 0.97 (> 0.75, sensitivity 0.96 and precision 0.92)]. A different missense change at the same codon (p.Cys84Trp) has been reported to be associated with IGF2-related disorder (ClinVar ID: VCV003236772). However the evidence of pathogenicity is insufficient at this time. Therefore, this variant is classified as VUS according to the recommendation of ACMG/AMP guideline.

NM_000612.6(IGF2):c.250T>C (p.Cys84Arg)

Genes: IGF2 (insulin like growth factor 2; minus strand), INS-IGF2 (INS-IGF2 readthrough; minus strand). Cytogenetic location: 11p15.5.
Variant type: single nucleotide variant.
Coding change: c.250T>C on transcript NM_000612.6 (MANE Select); coding-DNA position 250, T replaced by C.
Protein change: p.Cys84Arg; replaces cysteine 84 with arginine.
Molecular consequence: missense variant. On other transcripts: non-coding transcript variant (1).
Genome position (GRCh38, 1-based): chr11:2,133,573, A>G on the plus strand (T>C on the coding strand, the complement: IGF2 is on the minus strand). VCF-style: chr11-2133573-A-G. GRCh37 (hg19) VCF-style: chr11-2154803-A-G.
Other names: c.250T>C, p.Cys84Arg (NM_001007139.6, NM_001291861.3, NM_001291862.3); c.418T>C, p.Cys140Arg (NM_001127598.3); short protein forms C140R, C84R.
Identifiers: ClinVar variation 4854315 (VCV004854315.1).
Genomic context (GRCh38, chr11:2,133,573, plus strand): 5'-TCACCGGAAGCACGGTCGGAGGGGTCGACACGTCCCTCTCGGACTTGGCGGGGGTAGCAC[A>G]GTACGTCTCCAGGAGGGCCAGGTCACAGCTGCGGAAACAGCACTCCTCAACGATGCCACG-3'
Protein context (NP_000603.1, residues 74-94): SCDLALLETY[Cys84Arg]ATPAKSERDV